The following is an entry in ClinVar:

NM_005876.5(SPEG):c.7915C>T (p.Arg2639Trp)

Genes: ASIC4-AS1 (ASIC4 antisense RNA 1; minus strand), SPEG (striated muscle enriched protein kinase; plus strand). Cytogenetic location: 2q35.
Variant type: single nucleotide variant.
Coding change: c.7915C>T on transcript NM_005876.5 (MANE Select); coding-DNA position 7915, C replaced by T.
Protein change: p.Arg2639Trp; replaces arginine 2639 with tryptophan.
Molecular consequence: missense variant.
Genome position (GRCh38, 1-based): chr2:219,488,554, C>T. VCF-style: chr2-219488554-C-T. GRCh37 (hg19) VCF-style: chr2-220353276-C-T.
Other names: short protein forms R2639W.
Identifiers: ClinVar variation 1490292 (VCV001490292.3), dbSNP rs752481748, ClinGen allele CA2127326.

ClinVar aggregate classification (germline): Uncertain significance (1 of 4 stars; one submission).

Allele frequency attached by ClinVar (database versions not stated): TOPMed 0.00002; ExAC 0.00003; gnomAD exomes 0.00002.
gnomAD v4.1: 16 of 1,610,138 alleles (0.00099%); highest among the groups gnomAD compares: Admixed American, 0.0034%; no homozygotes.

Submission:

Labcorp Genetics (formerly Invitae), Labcorp
Classification: Uncertain significance. Last evaluated: 2021-08-31. Review status: criteria provided, single submitter. Criteria: Invitae Variant Classification Sherloc (09022015). Collection method: clinical testing. Allele origin: germline.
Comment: This sequence change replaces arginine with tryptophan at codon 2639 of the SPEG protein (p.Arg2639Trp). The arginine residue is highly conserved and there is a moderate physicochemical difference between arginine and tryptophan. This variant is present in population databases (rs752481748, ExAC 0.01%). This variant has not been reported in the literature in individuals affected with SPEG-related conditions. Algorithms developed to predict the effect of missense changes on protein structure and function are either unavailable or do not agree on the potential impact of this missense change (SIFT: "Deleterious"; PolyPhen-2: "Probably Damaging"; Align-GVGD: "Class C0"). In summary, the available evidence is currently insufficient to determine the role of this variant in disease. Therefore, it has been classified as a Variant of Uncertain Significance.